The following is an entry in ClinVar:

ClinVar aggregate classification (germline): Likely benign. Review status: criteria provided, single submitter (1 of 4 stars). 2 submissions from 2 submitters: Likely benign (1). 1 of the submissions does not count toward it. Last evaluated 2024-05-01.

Conditions:
EPS8L3-related disorder. Also called: EPS8L3-related condition.

Allele frequency attached by ClinVar (database versions not stated): ESP Exome Variant Server 0.00077; 1000 Genomes Project 30x 0.00078; 1000 Genomes Project 0.00080; gnomAD 0.00102; TOPMed 0.00105; gnomAD exomes 0.00135; ExAC 0.00147.
gnomAD v4.1: 2,128 of 1,613,918 alleles (0.13%); highest among the groups gnomAD compares: Admixed American, 0.18%; 5 homozygotes.

Submissions (2):

CeGaT Center for Human Genetics Tuebingen
Classification: Likely benign. Last evaluated: 2024-05-01. Review status: criteria provided, single submitter. Criteria: CeGaT Center For Human Genetics Tuebingen Variant Classification Criteria Version 2. Collection method: clinical testing. Allele origin: germline. Affected: yes. Observed: 1 variant allele.
Comment: EPS8L3: BP4, BS2

PreventionGenetics, part of Exact Sciences
Classification: Likely benign for EPS8L3-related condition. Last evaluated: 2022-02-22. Review status: no assertion criteria provided. Collection method: clinical testing. Allele origin: germline. Not counted in ClinVar's aggregate classification.
Comment: This variant is classified as likely benign based on ACMG/AMP sequence variant interpretation guidelines (Richards et al. 2015 PMID: 25741868, with internal and published modifications).

NM_133181.4(EPS8L3):c.1594G>A (p.Glu532Lys)

Genes: EPS8L3 (EPS8 signaling adaptor L3; minus strand), LOC126805823 (BRD4-independent group 4 enhancer GRCh37_chr1:110293035-110294234; plus strand). Cytogenetic location: 1p13.3.
Variant type: single nucleotide variant.
Coding change: c.1594G>A on transcript NM_133181.4 (MANE Select); coding-DNA position 1594, G replaced by A.
Protein change: p.Glu532Lys; replaces glutamic acid 532 with lysine.
Molecular consequence: missense variant.
Genome position (GRCh38, 1-based): chr1:109,751,321, C>T on the plus strand (G>A on the coding strand, the complement: EPS8L3 is on the minus strand). VCF-style: chr1-109751321-C-T. GRCh37 (hg19) VCF-style: chr1-110293943-C-T.
Other names: c.1405G>A, p.Glu469Lys (NM_001319952.2); c.1504G>A, p.Glu502Lys (NM_024526.4); c.1597G>A, p.Glu533Lys (NM_139053.3); short protein forms E469K, E502K, E532K, E533K.
Identifiers: ClinVar variation 3045009 (VCV003045009.20), dbSNP rs76425431, ClinGen allele CA995230.